The following is an entry in ClinVar:

NM_031407.7(HUWE1):c.12878G>A (p.Arg4293His)

Gene: HUWE1 (HECT, UBA and WWE domain containing E3 ubiquitin protein ligase 1; minus strand). Cytogenetic location: Xp11.22.
Variant type: single nucleotide variant.
Coding change: c.12878G>A on transcript NM_031407.7 (MANE Select); coding-DNA position 12878, G replaced by A.
Protein change: p.Arg4293His; replaces arginine 4293 with histidine.
Molecular consequence: missense variant.
Genome position (GRCh38, 1-based): chrX:53,534,151, C>T on the plus strand (G>A on the coding strand, the complement: HUWE1 is on the minus strand). VCF-style: chrX-53534151-C-T. GRCh37 (hg19) VCF-style: chrX-53561112-C-T.
Other names: c.12878G>A (NM_031407.6); short protein forms R4293H.
Identifiers: ClinVar variation 1801872 (VCV001801872.2), dbSNP rs1414209272, ClinGen allele CA413144992.
Genomic context (GRCh38, chrX:53,534,151, plus strand): 5'-GCAGCAAAGCCTTGCAGGGGTACCTTGGAAGTACCTGTGACAAACTGGAGGAACTTGGCA[C>T]GGTCAGCTTGATCGAAAGAACGCAATGCTCTCCAGAACCACTGGATCTGTAGGAAGGGAC-3'
Protein context (NP_113584.3, residues 4283-4303): RALRSFDQAD[Arg4293His]AKFLQFVTGT

ClinVar aggregate classification (germline): Uncertain significance. Review status: criteria provided, multiple submitters, no conflicts (2 of 4 stars). 2 submissions from 2 submitters: Uncertain significance (2). Last evaluated 2025-01-02.

Conditions:
HUWE1-related disorder. Also called: HUWE1-related condition.

Allele frequency attached by ClinVar (database versions not stated): TOPMed below 0.00001; gnomAD 0.00001; gnomAD exomes 0.00002.
gnomAD v4.1: 17 of 1,208,427 alleles (0.0014%); highest among the groups gnomAD compares: Admixed American, 0.0022%; no homozygotes.

Submissions (2):

PreventionGenetics, part of Exact Sciences
Classification: Uncertain significance for HUWE1-related condition. Last evaluated: 2025-01-02. Review status: criteria provided, single submitter. Criteria: ACMG Guidelines, 2015. Collection method: clinical testing. Allele origin: germline.
Comment: The HUWE1 c.12878G>A variant is predicted to result in the amino acid substitution p.Arg4293His. To our knowledge, this variant has not been reported in the literature or in a large population database (gnomAD), indicating this variant is rare. At this time, the clinical significance of this variant is uncertain due to the absence of conclusive functional and genetic evidence.

GeneDx
Classification: Uncertain significance. Last evaluated: 2022-06-01. Review status: criteria provided, single submitter. Criteria: GeneDx Variant Classification Process June 2021. Collection method: clinical testing. Allele origin: germline. Affected: yes.
Comment: Not observed at significant frequency in large population cohorts (gnomAD); In silico analysis supports that this missense variant has a deleterious effect on protein structure/function; Has not been previously published as pathogenic or benign to our knowledge